The following is an entry in ClinVar:

NM_178014.4(TUBB):c.691G>A (p.Ala231Thr)

Gene: TUBB (tubulin beta class I; plus strand). Cytogenetic location: 6p21.33.
Variant type: single nucleotide variant.
Coding change: c.691G>A on transcript NM_178014.4 (MANE Select); coding-DNA position 691, G replaced by A.
Protein change: p.Ala231Thr; replaces alanine 231 with threonine.
Molecular consequence: missense variant. On other transcripts: intron variant (1).
Genome position (GRCh38, 1-based): chr6:30,723,753, G>A. VCF-style: chr6-30723753-G-A. GRCh37 (hg19) VCF-style: chr6-30691530-G-A.
Other names: c.751G>A, p.Ala251Thr (NM_001293212.2); c.559G>A, p.Ala187Thr (NM_001293214.2); c.475G>A, p.Ala159Thr (NM_001293215.2, NM_001293216.2); c.370-285G>A (NM_001293213.2); short protein forms A159T, A187T, A231T, A251T.
Identifiers: ClinVar variation 5018129 (VCV005018129.1).

ClinVar aggregate classification (germline): Uncertain significance (1 of 4 stars; one submission).

Submission:

GeneDx
Classification: Uncertain significance. Last evaluated: 2026-04-06. Review status: criteria provided, single submitter. Criteria: GeneDx Variant Classification Process June 2021. Collection method: clinical testing. Allele origin: germline.
Comment: Not observed at significant frequency in large population cohorts (gnomAD); In silico analysis suggests that this missense variant does not alter protein structure/function; Has not been previously published as pathogenic or benign to our knowledge